The following is an entry in ClinVar:

ClinVar aggregate classification (germline): Uncertain significance (1 of 4 stars; one submission).

gnomAD v4.1: 11 of 1,531,960 alleles (0.00072%); highest among the groups gnomAD compares: Non-Finnish European, 0.00096%; no homozygotes.

Submission:

Labcorp Genetics (formerly Invitae), Labcorp
Classification: Uncertain significance. Last evaluated: 2024-02-11. Review status: criteria provided, single submitter. Criteria: Invitae Variant Classification Sherloc (09022015). Collection method: clinical testing. Allele origin: germline.
Comment: This sequence change replaces arginine, which is basic and polar, with leucine, which is neutral and non-polar, at codon 1421 of the DCHS1 protein (p.Arg1421Leu). This variant is present in population databases (no rsID available, gnomAD 0.007%). This variant has not been reported in the literature in individuals affected with DCHS1-related conditions. Advanced modeling of protein sequence and biophysical properties (such as structural, functional, and spatial information, amino acid conservation, physicochemical variation, residue mobility, and thermodynamic stability) performed at Invitae indicates that this missense variant is not expected to disrupt DCHS1 protein function with a negative predictive value of 80%. In summary, the available evidence is currently insufficient to determine the role of this variant in disease. Therefore, it has been classified as a Variant of Uncertain Significance.

NM_003737.4(DCHS1):c.4262G>T (p.Arg1421Leu)

Gene: DCHS1 (dachsous cadherin-related 1; minus strand). Cytogenetic location: 11p15.4.
Variant type: single nucleotide variant.
Coding change: c.4262G>T on transcript NM_003737.4 (MANE Select); coding-DNA position 4262, G replaced by T.
Protein change: p.Arg1421Leu; replaces arginine 1421 with leucine.
Molecular consequence: missense variant.
Genome position (GRCh38, 1-based): chr11:6,630,532, C>A on the plus strand (G>T on the coding strand, the complement: DCHS1 is on the minus strand). VCF-style: chr11-6630532-C-A. GRCh37 (hg19) VCF-style: chr11-6651763-C-A.
Other names: short protein forms R1421L.
Identifiers: ClinVar variation 3699146 (VCV003699146.2).